The following is an entry in ClinVar:

NM_000187.4(HGD):c.95C>A (p.Pro32His)

Gene: HGD (homogentisate 1,2-dioxygenase; minus strand). Cytogenetic location: 3q13.33.
Variant type: single nucleotide variant.
Coding change: c.95C>A on transcript NM_000187.4 (MANE Select); coding-DNA position 95, C replaced by A.
Protein change: p.Pro32His; replaces proline 32 with histidine.
Molecular consequence: missense variant.
Genome position (GRCh38, 1-based): chr3:120,674,982, G>T on the plus strand (C>A on the coding strand, the complement: HGD is on the minus strand). VCF-style: chr3-120674982-G-T. GRCh37 (hg19) VCF-style: chr3-120393829-G-T.
Other names: short protein forms P32H.
Identifiers: ClinVar variation 2832437 (VCV002832437.3), dbSNP rs2472801455, ClinGen allele CA354082262.

ClinVar aggregate classification (germline): Uncertain significance (1 of 4 stars; one submission).

Conditions:
Alkaptonuria (AKU). Also called: HOMOGENTISIC ACID OXIDASE DEFICIENCY; Homogentisic acidura; Alkaptonuric ochronosis; Alcaptonuria. Identifiers: Orphanet 56, MedGen C0002066, MONDO:0008753, OMIM 203500.

Allele frequency attached by ClinVar (database versions not stated): gnomAD exomes below 0.00001.
gnomAD v4.1: 2 of 1,608,740 alleles (0.00012%); highest among the groups gnomAD compares: Non-Finnish European, 0.00017%; no homozygotes.

Submission:

Labcorp Genetics (formerly Invitae), Labcorp
Classification: Uncertain significance for Alkaptonuria. Last evaluated: 2023-03-09. Review status: criteria provided, single submitter. Criteria: Invitae Variant Classification Sherloc (09022015). Collection method: clinical testing. Allele origin: germline.
Comment: This missense change has been observed in individual(s) with Alkaptonuria (Invitae). This sequence change replaces proline, which is neutral and non-polar, with histidine, which is basic and polar, at codon 32 of the HGD protein (p.Pro32His). This variant is not present in population databases (gnomAD no frequency). Advanced modeling of protein sequence and biophysical properties (such as structural, functional, and spatial information, amino acid conservation, physicochemical variation, residue mobility, and thermodynamic stability) performed at Invitae indicates that this missense variant is expected to disrupt HGD protein function. In summary, the available evidence is currently insufficient to determine the role of this variant in disease. Therefore, it has been classified as a Variant of Uncertain Significance.